The following is an entry in ClinVar:

ClinVar aggregate classification (germline): Uncertain significance (1 of 4 stars; one submission).

Conditions:
Developmental and epileptic encephalopathy, 30 (DEE30). Also called: Epileptic encephalopathy, early infantile, 30. Identifiers: MedGen C4225360, MONDO:0014595, OMIM 616341.

Allele frequency attached by ClinVar (database versions not stated): gnomAD exomes 0.00002; ExAC 0.00003.

Submission:

Labcorp Genetics (formerly Invitae), Labcorp
Classification: Uncertain significance for Developmental and epileptic encephalopathy, 30. Last evaluated: 2025-12-13. Review status: criteria provided, single submitter. Criteria: Invitae Variant Classification Sherloc (09022015). Collection method: clinical testing. Allele origin: germline.
Comment: This sequence change replaces serine, which is neutral and polar, with glycine, which is neutral and non-polar, at codon 438 of the SIK1 protein (p.Ser438Gly). This variant is present in population databases (rs757099881, gnomAD 0.01%). This variant has not been reported in the literature in individuals affected with SIK1-related conditions. ClinVar contains an entry for this variant (Variation ID: 852199). Invitae Evidence Modeling of protein sequence and biophysical properties (such as structural, functional, and spatial information, amino acid conservation, physicochemical variation, residue mobility, and thermodynamic stability) indicates that this missense variant is not expected to disrupt SIK1 protein function with a negative predictive value of 95%. In summary, the available evidence is currently insufficient to determine the role of this variant in disease. Therefore, it has been classified as a Variant of Uncertain Significance.

NM_173354.5(SIK1):c.1312A>G (p.Ser438Gly)

Gene: SIK1 (salt inducible kinase 1; minus strand). Cytogenetic location: 21q22.3.
Variant type: single nucleotide variant.
Coding change: c.1312A>G on transcript NM_173354.5 (MANE Select); coding-DNA position 1312, A replaced by G.
Protein change: p.Ser438Gly; replaces serine 438 with glycine.
Molecular consequence: missense variant.
Genome position (GRCh38, 1-based): chr21:43,419,171, T>C on the plus strand (A>G on the coding strand, the complement: SIK1 is on the minus strand). VCF-style: chr21-43419171-T-C. GRCh37 (hg19) VCF-style: chr21-44839051-T-C.
Other names: short protein forms S438G.
Identifiers: ClinVar variation 852199 (VCV000852199.10), dbSNP rs757099881, ClinGen allele CA321325897.